The following is an entry in ClinVar:

NM_000334.4(SCN4A):c.2513C>A (p.Ala838Asp)

Genes: GH-LCR (growth hormone locus control region; plus strand), SCN4A (sodium voltage-gated channel alpha subunit 4; minus strand). Cytogenetic location: 17q23.3.
Variant type: single nucleotide variant.
Coding change: c.2513C>A on transcript NM_000334.4 (MANE Select); coding-DNA position 2513, C replaced by A.
Protein change: p.Ala838Asp; replaces alanine 838 with aspartic acid.
Molecular consequence: missense variant.
Genome position (GRCh38, 1-based): chr17:63,951,764, G>T on the plus strand (C>A on the coding strand, the complement: SCN4A is on the minus strand). VCF-style: chr17-63951764-G-T. GRCh37 (hg19) VCF-style: chr17-62029124-G-T.
Other names: short protein forms A838D.
Identifiers: ClinVar variation 1963235 (VCV001963235.5), dbSNP rs1485947061, ClinGen allele CA400626894.

ClinVar aggregate classification (germline): Uncertain significance (1 of 4 stars; one submission).

Conditions:
Hyperkalemic periodic paralysis. Also called: Familial hyperkalemic periodic paralysis; Gamstorp disease. Identifiers: Orphanet 682, MedGen C0238357, MONDO:0008224, OMIM 170500, HP:0007215.

Allele frequency attached by ClinVar (database versions not stated): TOPMed 0.00001.

Submission:

Labcorp Genetics (formerly Invitae), Labcorp
Classification: Uncertain significance for Hyperkalemic periodic paralysis. Last evaluated: 2022-06-24. Review status: criteria provided, single submitter. Criteria: Invitae Variant Classification Sherloc (09022015). Collection method: clinical testing. Allele origin: germline.
Comment: This variant has not been reported in the literature in individuals affected with SCN4A-related conditions. In summary, the available evidence is currently insufficient to determine the role of this variant in disease. Therefore, it has been classified as a Variant of Uncertain Significance. Algorithms developed to predict the effect of missense changes on protein structure and function are either unavailable or do not agree on the potential impact of this missense change (SIFT: "Deleterious"; PolyPhen-2: "Benign"; Align-GVGD: "Class C0"). This variant is not present in population databases (gnomAD no frequency). This sequence change replaces alanine, which is neutral and non-polar, with aspartic acid, which is acidic and polar, at codon 838 of the SCN4A protein (p.Ala838Asp).